The following is an entry in ClinVar:

NM_199420.4(POLQ):c.6290C>T (p.Ala2097Val)

Gene: POLQ (DNA polymerase theta; minus strand). Cytogenetic location: 3q13.33.
Variant type: single nucleotide variant.
Coding change: c.6290C>T on transcript NM_199420.4 (MANE Select); coding-DNA position 6290, C replaced by T.
Protein change: p.Ala2097Val; replaces alanine 2097 with valine.
Molecular consequence: missense variant.
Genome position (GRCh38, 1-based): chr3:121,476,655, G>A on the plus strand (C>T on the coding strand, the complement: POLQ is on the minus strand). VCF-style: chr3-121476655-G-A. GRCh37 (hg19) VCF-style: chr3-121195502-G-A.
Other names: short protein forms A2097V.
Identifiers: ClinVar variation 1752661 (VCV001752661.3), dbSNP rs2546777212, ClinGen allele CA354087026.

ClinVar aggregate classification (germline): Uncertain significance (1 of 4 stars; one submission).

Allele frequency attached by ClinVar (database versions not stated): gnomAD exomes below 0.00001.
gnomAD v4.1: 2 of 1,613,208 alleles (0.00012%); highest among the groups gnomAD compares: East Asian, 0.0022%; no homozygotes.

Submission:

Ambry Genetics
Classification: Uncertain significance. Last evaluated: 2024-11-12. Review status: criteria provided, single submitter. Criteria: Ambry Variant Classification Scheme 2023. Collection method: clinical testing. Allele origin: germline.
Comment: The p.A2097V variant (also known as c.6290C>T), located in coding exon 20 of the POLQ gene, results from a C to T substitution at nucleotide position 6290. The alanine at codon 2097 is replaced by valine, an amino acid with similar properties. This amino acid position is conserved. In addition, this alteration is predicted to be tolerated by in silico analysis. Since supporting evidence is limited at this time, the clinical significance of this alteration remains unclear.